The following is an entry in ClinVar:

NM_001903.5(CTNNA1):c.651C>A (p.Asn217Lys)

Gene: CTNNA1 (catenin alpha 1; plus strand). Cytogenetic location: 5q31.2.
Variant type: single nucleotide variant.
Coding change: c.651C>A on transcript NM_001903.5 (MANE Select); coding-DNA position 651, C replaced by A.
Protein change: p.Asn217Lys; replaces asparagine 217 with lysine.
Molecular consequence: missense variant.
Genome position (GRCh38, 1-based): chr5:138,824,592, C>A. VCF-style: chr5-138824592-C-A. GRCh37 (hg19) VCF-style: chr5-138160281-C-A.
Other names: c.651C>A (NM_001903.2); c.651C>A, p.Asn217Lys (NM_001290307.3, NM_001323982.2, NM_001323983.1 and 3 more transcripts); c.342C>A, p.Asn114Lys (NM_001290309.3); c.282C>A, p.Asn94Lys (NM_001290310.3); short protein forms N94K, N114K, N217K.
Identifiers: ClinVar variation 1368993 (VCV001368993.9), dbSNP rs765015576, ClinGen allele CA361129590.

ClinVar aggregate classification (germline): Uncertain significance. Review status: criteria provided, multiple submitters, no conflicts (2 of 4 stars). 2 submissions from 2 submitters: Uncertain significance (2). Last evaluated 2025-08-09.

Conditions:
Hereditary cancer-predisposing syndrome. Also called: Neoplastic Syndromes, Hereditary; Tumor predisposition; Hereditary neoplastic syndrome; Hereditary Cancer Syndrome. Identifiers: Orphanet 140162, MedGen C0027672, MeSH D009386, MONDO:0015356.

Submissions (2):

Labcorp Genetics (formerly Invitae), Labcorp
Classification: Uncertain significance. Last evaluated: 2025-08-09. Review status: criteria provided, single submitter. Criteria: Invitae Variant Classification Sherloc (09022015). Collection method: clinical testing. Allele origin: germline.
Comment: This sequence change replaces asparagine, which is neutral and polar, with lysine, which is basic and polar, at codon 217 of the CTNNA1 protein (p.Asn217Lys). This variant is not present in population databases (gnomAD no frequency). This variant has not been reported in the literature in individuals affected with CTNNA1-related conditions. ClinVar contains an entry for this variant (Variation ID: 1368993). Invitae Evidence Modeling of protein sequence and biophysical properties (such as structural, functional, and spatial information, amino acid conservation, physicochemical variation, residue mobility, and thermodynamic stability) indicates that this missense variant is not expected to disrupt CTNNA1 protein function with a negative predictive value of 80%. In summary, the available evidence is currently insufficient to determine the role of this variant in disease. Therefore, it has been classified as a Variant of Uncertain Significance.

Ambry Genetics
Classification: Uncertain significance for Hereditary cancer-predisposing syndrome. Last evaluated: 2024-07-09. Review status: criteria provided, single submitter. Criteria: Ambry Variant Classification Scheme 2023. Collection method: clinical testing. Allele origin: germline.
Comment: The p.N217K variant (also known as c.651C>A), located in coding exon 5 of the CTNNA1 gene, results from a C to A substitution at nucleotide position 651. The asparagine at codon 217 is replaced by lysine, an amino acid with similar properties. This amino acid position is conserved. In addition, this alteration is predicted to be tolerated by in silico analysis. Based on the available evidence, the clinical significance of this variant remains unclear.